The following is an entry in ClinVar:

NM_198252.3(GSN):c.2030A>C (p.Lys677Thr)

Gene: GSN (gelsolin; plus strand). Cytogenetic location: 9q33.2.
Variant type: single nucleotide variant.
Coding change: c.2030A>C on transcript NM_198252.3 (MANE Select); coding-DNA position 2030, A replaced by C.
Protein change: p.Lys677Thr; replaces lysine 677 with threonine.
Molecular consequence: missense variant.
Genome position (GRCh38, 1-based): chr9:121,332,437, A>C. VCF-style: chr9-121332437-A-C. GRCh37 (hg19) VCF-style: chr9-124094715-A-C.
Other names: c.2063A>C, p.Lys688Thr (NM_001353071.2, NM_001353072.2, NM_001353073.2 and 13 more transcripts); c.2102A>C, p.Lys701Thr (NM_001353076.2); c.1376A>C, p.Lys459Thr (NM_001353078.2); c.2183A>C, p.Lys728Thr (NM_000177.5); c.2030A>C, p.Lys677Thr (NM_001127662.2, NM_001127664.2, NM_001127665.2 and 10 more transcripts); c.2138A>C, p.Lys713Thr (NM_001127663.2); c.2081A>C, p.Lys694Thr (NM_001258029.2); c.2054A>C, p.Lys685Thr (NM_001258030.2); short protein forms K459T, K677T, K685T, K688T, K694T, K701T, K713T, K728T.
Identifiers: ClinVar variation 3604125 (VCV003604125.2).

ClinVar aggregate classification (germline): Uncertain significance (1 of 4 stars; one submission).

gnomAD v4.1: 2 of 1,613,874 alleles (0.00012%); highest among the groups gnomAD compares: Non-Finnish European, 0.00017%; no homozygotes.

Submission:

Labcorp Genetics (formerly Invitae), Labcorp
Classification: Uncertain significance. Last evaluated: 2024-10-21. Review status: criteria provided, single submitter. Criteria: Invitae Variant Classification Sherloc (09022015). Collection method: clinical testing. Allele origin: germline.
Comment: This sequence change replaces lysine, which is basic and polar, with threonine, which is neutral and polar, at codon 728 of the GSN protein (p.Lys728Thr). This variant is not present in population databases (gnomAD no frequency). This variant has not been reported in the literature in individuals affected with GSN-related conditions. Invitae Evidence Modeling of protein sequence and biophysical properties (such as structural, functional, and spatial information, amino acid conservation, physicochemical variation, residue mobility, and thermodynamic stability) indicates that this missense variant is not expected to disrupt GSN protein function with a negative predictive value of 80%. In summary, the available evidence is currently insufficient to determine the role of this variant in disease. Therefore, it has been classified as a Variant of Uncertain Significance.